The following is an entry in ClinVar:

ClinVar aggregate classification (germline): Uncertain significance (1 of 4 stars; one submission).

Conditions:
Hypertrophic cardiomyopathy. Also called: HYPERTROPHIC MYOCARDIOPATHY. Identifiers: Orphanet 217569, MedGen C0007194, MeSH D002312, MONDO:0005045, HP:0001639.

Submission:

Labcorp Genetics (formerly Invitae), Labcorp
Classification: Uncertain significance for Hypertrophic cardiomyopathy. Last evaluated: 2025-02-26. Review status: criteria provided, single submitter. Criteria: Invitae Variant Classification Sherloc (09022015). Collection method: clinical testing. Allele origin: germline.
Comment: This sequence change affects an acceptor splice site in intron 33 of the MYH7 gene. It is expected to disrupt RNA splicing. Variants that disrupt the donor or acceptor splice site typically lead to a loss of protein function (PMID: 16199547), however the current clinical and genetic evidence is not sufficient to establish whether loss-of-function variants in MYH7 cause disease. This variant is not present in population databases (gnomAD no frequency). This variant has not been reported in the literature in individuals affected with MYH7-related conditions. ClinVar contains an entry for this variant (Variation ID: 950533). Algorithms developed to predict the effect of sequence changes on RNA splicing suggest that this variant may disrupt the consensus splice site. In summary, the available evidence is currently insufficient to determine the role of this variant in disease. Therefore, it has been classified as a Variant of Uncertain Significance.

Literature cited by the submitters: PubMed 16199547.

NM_000257.4(MYH7):c.4645-2A>T

Genes: MHRT (myosin heavy chain associated RNA transcript; plus strand), MYH7 (myosin heavy chain 7; minus strand), LOC126861897 (BRD4-independent group 4 enhancer GRCh37_chr14:23884455-23885654; plus strand). Cytogenetic location: 14q11.2.
Variant type: single nucleotide variant.
Coding change: c.4645-2A>T on transcript NM_000257.4 (MANE Select); the canonical splice acceptor site of the intron before coding-DNA position 4645, A replaced by T.
Molecular consequence: splice acceptor variant.
Genome position (GRCh38, 1-based): chr14:23,416,314, T>A on the plus strand (A>T on the coding strand, the complement: MYH7 is on the minus strand). VCF-style: chr14-23416314-T-A. GRCh37 (hg19) VCF-style: chr14-23885523-T-A.
Other names: c.4645-2A>T (NM_001407004.1).
Identifiers: ClinVar variation 950533 (VCV000950533.8), dbSNP rs1892208790, ClinGen allele CA389037947.
Genomic context (GRCh38, chr14:23,416,314, plus strand): 5'-ATCTGGTTGAACTCCAGCTGGGCCCGGAGGATCTTGCCCTCCTCGTGCTCCAGGGAGGCC[T>A]GGGAAGGGGTTGGGGGAGGGGATGCAGGCAGACAGTCAGGGCACAGGGCAGGGTGGGGGC-3'